The following is an entry in ClinVar:

NM_012199.5(AGO1):c.1049G>A (p.Cys350Tyr)

Gene: AGO1 (argonaute RISC component 1; plus strand). Cytogenetic location: 1p34.3.
Variant type: single nucleotide variant.
Coding change: c.1049G>A on transcript NM_012199.5 (MANE Select); coding-DNA position 1049, G replaced by A.
Protein change: p.Cys350Tyr; replaces cysteine 350 with tyrosine.
Molecular consequence: missense variant.
Genome position (GRCh38, 1-based): chr1:35,901,502, G>A. VCF-style: chr1-35901502-G-A. GRCh37 (hg19) VCF-style: chr1-36367103-G-A.
Other names: c.1049G>A, p.Cys350Tyr (NM_001317122.2); c.824G>A, p.Cys275Tyr (NM_001317123.2); short protein forms C275Y, C350Y.
Identifiers: ClinVar variation 3900544 (VCV003900544.1).
Genomic context (GRCh38, chr1:35,901,502, plus strand): 5'-GCCAGAGCTACCTGTCCTTCTTGTTTCCTCAGGTCTGTAACATTGTGGCTGGGCAGCGCT[G>A]TATTAAAAAGCTGACCGACAACCAGACCTCGACCATGATAAAGGCCACAGCTAGATCCGC-3'
Protein context (NP_036331.1, residues 340-360): EVCNIVAGQR[Cys350Tyr]IKKLTDNQTS

ClinVar aggregate classification (germline): Uncertain significance (1 of 4 stars; one submission).

Submission:

GeneDx
Classification: Uncertain significance. Last evaluated: 2024-11-22. Review status: criteria provided, single submitter. Criteria: GeneDx Variant Classification Process June 2021. Collection method: clinical testing. Allele origin: germline. Affected: yes.
Comment: Not observed at significant frequency in large population cohorts (gnomAD); In silico analysis supports that this missense variant has a deleterious effect on protein structure/function; Has not been previously published as pathogenic or benign to our knowledge